The following is an entry in ClinVar:

NM_015466.4(PTPN23):c.2249C>A (p.Pro750His)

Gene: PTPN23 (protein tyrosine phosphatase non-receptor type 23; plus strand). Cytogenetic location: 3p21.31.
Variant type: single nucleotide variant.
Coding change: c.2249C>A on transcript NM_015466.4 (MANE Select); coding-DNA position 2249, C replaced by A.
Protein change: p.Pro750His; replaces proline 750 with histidine.
Molecular consequence: missense variant.
Genome position (GRCh38, 1-based): chr3:47,410,047, C>A. VCF-style: chr3-47410047-C-A. GRCh37 (hg19) VCF-style: chr3-47451537-C-A.
Other names: c.1871C>A, p.Pro624His (NM_001304482.2); short protein forms P624H, P750H.
Identifiers: ClinVar variation 1514186 (VCV001514186.6), dbSNP rs769041406, ClinGen allele CA352557853.

ClinVar aggregate classification (germline): Uncertain significance (1 of 4 stars; one submission).

Allele frequency attached by ClinVar (database versions not stated): gnomAD 0.00001.
gnomAD v4.1: 6 of 1,611,614 alleles (0.00037%); highest among the groups gnomAD compares: African/African-American, 0.0027%; no homozygotes.

Submission:

Labcorp Genetics (formerly Invitae), Labcorp
Classification: Uncertain significance. Last evaluated: 2022-09-27. Review status: criteria provided, single submitter. Criteria: Invitae Variant Classification Sherloc (09022015). Collection method: clinical testing. Allele origin: germline.
Comment: In summary, the available evidence is currently insufficient to determine the role of this variant in disease. Therefore, it has been classified as a Variant of Uncertain Significance. Algorithms developed to predict the effect of missense changes on protein structure and function are either unavailable or do not agree on the potential impact of this missense change (SIFT: "Deleterious"; PolyPhen-2: "Not Available"; Align-GVGD: "Class C0"). ClinVar contains an entry for this variant (Variation ID: 1514186). This variant has not been reported in the literature in individuals affected with PTPN23-related conditions. The frequency data for this variant in the population databases is considered unreliable, as metrics indicate poor data quality at this position in the gnomAD database. This sequence change replaces proline, which is neutral and non-polar, with histidine, which is basic and polar, at codon 750 of the PTPN23 protein (p.Pro750His).